The following is an entry in ClinVar:

ClinVar aggregate classification (germline): Uncertain significance (1 of 4 stars; one submission).

Allele frequency attached by ClinVar (database versions not stated): ExAC 0.00005; ESP Exome Variant Server 0.00015.
gnomAD v4.1: 26 of 1,500,646 alleles (0.0017%); highest among the groups gnomAD compares: Non-Finnish European, 0.0023%; no homozygotes.

Submission:

Labcorp Genetics (formerly Invitae), Labcorp
Classification: Uncertain significance. Last evaluated: 2026-01-26. Review status: criteria provided, single submitter. Criteria: Invitae Variant Classification Sherloc (09022015). Collection method: clinical testing. Allele origin: germline.
Comment: This sequence change replaces serine, which is neutral and polar, with cysteine, which is neutral and slightly polar, at codon 1965 of the ATR protein (p.Ser1965Cys). This variant is not present in population databases (gnomAD no frequency). This variant has not been reported in the literature in individuals affected with ATR-related conditions. ClinVar contains an entry for this variant (Variation ID: 1055383). An algorithm developed to predict the effect of missense changes on protein structure and function (PolyPhen-2) suggests that this variant is likely to be disruptive. In summary, the available evidence is currently insufficient to determine the role of this variant in disease. Therefore, it has been classified as a Variant of Uncertain Significance.

NM_001184.4(ATR):c.5894C>G (p.Ser1965Cys)

Gene: ATR (ATR checkpoint kinase; minus strand). Cytogenetic location: 3q23.
Variant type: single nucleotide variant.
Coding change: c.5894C>G on transcript NM_001184.4 (MANE Select); coding-DNA position 5894, C replaced by G.
Protein change: p.Ser1965Cys; replaces serine 1965 with cysteine.
Molecular consequence: missense variant.
Genome position (GRCh38, 1-based): chr3:142,496,365, G>C on the plus strand (C>G on the coding strand, the complement: ATR is on the minus strand). VCF-style: chr3-142496365-G-C. GRCh37 (hg19) VCF-style: chr3-142215207-G-C.
Other names: c.5702C>G, p.Ser1901Cys (NM_001354579.2); short protein forms S1901C, S1965C.
Identifiers: ClinVar variation 1055383 (VCV001055383.5), dbSNP rs376314540, ClinGen allele CA2649517.